The following is an entry in ClinVar:

ClinVar aggregate classification (germline): Uncertain significance (1 of 4 stars; one submission).

Submission:

Labcorp Genetics (formerly Invitae), Labcorp
Classification: Uncertain significance. Last evaluated: 2024-04-25. Review status: criteria provided, single submitter. Criteria: Invitae Variant Classification Sherloc (09022015). Collection method: clinical testing. Allele origin: germline.
Comment: This sequence change replaces proline, which is neutral and non-polar, with glutamine, which is neutral and polar, at codon 779 of the ABL1 protein (p.Pro779Gln). This variant is not present in population databases (gnomAD no frequency). This variant has not been reported in the literature in individuals affected with ABL1-related conditions. Advanced modeling of protein sequence and biophysical properties (such as structural, functional, and spatial information, amino acid conservation, physicochemical variation, residue mobility, and thermodynamic stability) performed at Invitae indicates that this missense variant is not expected to disrupt ABL1 protein function with a negative predictive value of 95%. In summary, the available evidence is currently insufficient to determine the role of this variant in disease. Therefore, it has been classified as a Variant of Uncertain Significance.

NM_005157.6(ABL1):c.2279C>A (p.Pro760Gln)

Gene: ABL1 (ABL proto-oncogene 1, non-receptor tyrosine kinase; plus strand). Cytogenetic location: 9q34.12.
Variant type: single nucleotide variant.
Coding change: c.2279C>A on transcript NM_005157.6 (MANE Select); coding-DNA position 2279, C replaced by A.
Protein change: p.Pro760Gln; replaces proline 760 with glutamine.
Molecular consequence: missense variant.
Genome position (GRCh38, 1-based): chr9:130,884,569, C>A. VCF-style: chr9-130884569-C-A. GRCh37 (hg19) VCF-style: chr9-133759956-C-A.
Other names: c.2336C>A, p.Pro779Gln (NM_007313.3); short protein forms P760Q, P779Q.
Identifiers: ClinVar variation 3635938 (VCV003635938.2).